The following is an entry in ClinVar:

NM_173076.3(ABCA12):c.2634C>G (p.Phe878Leu)

Gene: ABCA12 (ATP binding cassette subfamily A member 12; minus strand). Cytogenetic location: 2q35.
Variant type: single nucleotide variant.
Coding change: c.2634C>G on transcript NM_173076.3 (MANE Select); coding-DNA position 2634, C replaced by G.
Protein change: p.Phe878Leu; replaces phenylalanine 878 with leucine.
Molecular consequence: missense variant. On other transcripts: non-coding transcript variant (1).
Genome position (GRCh38, 1-based): chr2:215,004,258, G>C on the plus strand (C>G on the coding strand, the complement: ABCA12 is on the minus strand). VCF-style: chr2-215004258-G-C. GRCh37 (hg19) VCF-style: chr2-215868982-G-C.
Other names: c.1680C>G, p.Phe560Leu (NM_015657.4); short protein forms F560L, F878L.
Identifiers: ClinVar variation 3335975 (VCV003335975.1).

ClinVar aggregate classification (germline): Uncertain significance (1 of 4 stars; one submission).

gnomAD v4.1: 2 of 1,613,714 alleles (0.00012%); highest among the groups gnomAD compares: Non-Finnish European, 0.00017%; no homozygotes.

Submission:

Women's Health and Genetics/Laboratory Corporation of America, LabCorp
Classification: Uncertain significance. Last evaluated: 2024-05-14. Review status: criteria provided, single submitter. Criteria: LabCorp Variant Classification Summary - May 2015. Collection method: clinical testing. Allele origin: germline.
Comment: Variant summary: ABCA12 c.2634C>G (p.Phe878Leu) results in a non-conservative amino acid change in the encoded protein sequence. Three of five in-silico tools predict a benign effect of the variant on protein function. The variant was absent in 250296 control chromosomes. The available data on variant occurrences in the general population are insufficient to allow any conclusion about variant significance. c.2634C>G has been reported in the literature in the compound heterozygous state in an individual affected with Lamellar Ichthyosis (Bukov_2016). These data do not allow any conclusion about variant significance. To our knowledge, no experimental evidence demonstrating an impact on protein function has been reported. The following publication have been ascertained in the context of this evaluation (PMID: 25998749). No submitters have cited clinical-significance assessments for this variant to ClinVar. Based on the evidence outlined above, the variant was classified as uncertain significance.

Literature cited by the submitters: PubMed 25998749.